The following is an entry in ClinVar:

NM_172364.5(CACNA2D4):c.2810A>C (p.Tyr937Ser)

Gene: CACNA2D4 (calcium voltage-gated channel auxiliary subunit alpha2delta 4; minus strand). Cytogenetic location: 12p13.33.
Variant type: single nucleotide variant.
Coding change: c.2810A>C on transcript NM_172364.5 (MANE Select); coding-DNA position 2810, A replaced by C.
Protein change: p.Tyr937Ser; replaces tyrosine 937 with serine.
Molecular consequence: missense variant.
Genome position (GRCh38, 1-based): chr12:1,801,101, T>G on the plus strand (A>C on the coding strand, the complement: CACNA2D4 is on the minus strand). VCF-style: chr12-1801101-T-G. GRCh37 (hg19) VCF-style: chr12-1910267-T-G.
Other names: c.2810A>C (NM_172364.4); short protein forms Y937S.
Identifiers: ClinVar variation 1021144 (VCV001021144.7), dbSNP rs374605537, ClinGen allele CA6386183.

ClinVar aggregate classification (germline): Uncertain significance. Review status: criteria provided, multiple submitters, no conflicts (2 of 4 stars). 3 submissions from 3 submitters: Uncertain significance (3). Last evaluated 2024-11-22.

Conditions:
Inborn genetic diseases. Identifiers: MedGen C0950123, MeSH D030342.

Allele frequency attached by ClinVar (database versions not stated): gnomAD exomes 0.00001; ExAC 0.00002; ESP Exome Variant Server 0.00008; gnomAD 0.00015 and 0.00019; TOPMed 0.00018.
gnomAD v4.1: 41 of 1,613,680 alleles (0.0025%); highest among the groups gnomAD compares: African/African-American, 0.047%; no homozygotes.

Submissions (3):

Labcorp Genetics (formerly Invitae), Labcorp
Classification: Uncertain significance. Last evaluated: 2024-11-22. Review status: criteria provided, single submitter. Criteria: Invitae Variant Classification Sherloc (09022015). Collection method: clinical testing. Allele origin: germline.
Comment: This sequence change replaces tyrosine, which is neutral and polar, with serine, which is neutral and polar, at codon 937 of the CACNA2D4 protein (p.Tyr937Ser). This variant is present in population databases (rs374605537, gnomAD 0.04%). This missense change has been observed in individual(s) with CACNA2D4-related conditions (PMID: 32483926). ClinVar contains an entry for this variant (Variation ID: 1021144). An algorithm developed to predict the effect of missense changes on protein structure and function (PolyPhen-2) suggests that this variant is likely to be disruptive. In summary, the available evidence is currently insufficient to determine the role of this variant in disease. Therefore, it has been classified as a Variant of Uncertain Significance.

Blueprint Genetics
Classification: Uncertain significance. Last evaluated: 2022-06-28. Review status: criteria provided, single submitter. Criteria: ACMG Guidelines, 2015. Collection method: clinical testing. Allele origin: germline.

Ambry Genetics
Classification: Uncertain significance for Inborn genetic diseases. Last evaluated: 2021-09-17. Review status: criteria provided, single submitter. Criteria: Ambry Variant Classification Scheme 2023. Collection method: clinical testing. Allele origin: germline.

Literature cited by the submitters: PubMed 32483926 (cited by Labcorp Genetics (formerly Invitae), Labcorp).